The following is an entry in ClinVar:

ClinVar aggregate classification (germline): Pathogenic (1 of 4 stars; one submission).

Conditions:
Catecholaminergic polymorphic ventricular tachycardia 1. Also called: RYR2-Related Catecholaminergic Polymorphic Ventricular Tachycardia; VENTRICULAR TACHYCARDIA, CATECHOLAMINERGIC POLYMORPHIC, 1, WITH OR WITHOUT ATRIAL DYSFUNCTION AND/OR DILATED CARDIOMYOPATHY; VENTRICULAR TACHYCARDIA, STRESS-INDUCED POLYMORPHIC 1. Identifiers: Orphanet 3286, MedGen C1631597, MONDO:0011484, OMIM 604772.

Submission:

Labcorp Genetics (formerly Invitae), Labcorp
Classification: Pathogenic for Catecholaminergic polymorphic ventricular tachycardia 1. Last evaluated: 2022-12-18. Review status: criteria provided, single submitter. Criteria: Invitae Variant Classification Sherloc (09022015). Collection method: clinical testing. Allele origin: unknown.
Comment: For these reasons, this variant has been classified as Pathogenic. This variant has not been reported in the literature in individuals affected with TRDN-related conditions. This variant is a gross deletion of the genomic region encompassing exon(s) 1-12 of the TRDN gene, which includes the initiator codon. This deletion extends beyond the assayed region for this gene and therefore may encompass additional genes. It is expected to result in an absent or disrupted protein product. Loss-of-function variants in TRDN are known to be pathogenic (PMID: 22422768, 25922419, 26200674, 30649896).

Literature cited by the submitters: PubMed 22422768; PubMed 25922419; PubMed 26200674; PubMed 30649896.

NC_000006.11:g.(?_123759188)_(123957920_?)del

Gene: TRDN (triadin; minus strand). Cytogenetic location: 6q22.31.
Variant type: Deletion.
Identifiers: ClinVar variation 3245991 (VCV003245991.1).